The following is an entry in ClinVar:

ClinVar aggregate classification (germline): Uncertain significance (1 of 4 stars; one submission).

Allele frequency attached by ClinVar (database versions not stated): gnomAD exomes below 0.00001 and 0.00001; ExAC 0.00002; TOPMed 0.00002; gnomAD 0.00003; ESP Exome Variant Server 0.00008.
gnomAD v4.1: 10 of 1,613,642 alleles (0.00062%); highest among the groups gnomAD compares: African/African-American, 0.011%; no homozygotes.

Submission:

Labcorp Genetics (formerly Invitae), Labcorp
Classification: Uncertain significance. Last evaluated: 2024-05-08. Review status: criteria provided, single submitter. Criteria: Invitae Variant Classification Sherloc (09022015). Collection method: clinical testing. Allele origin: germline.
Comment: This sequence change replaces methionine, which is neutral and non-polar, with valine, which is neutral and non-polar, at codon 546 of the TCIRG1 protein (p.Met546Val). This variant is present in population databases (rs368945298, gnomAD 0.01%). This variant has not been reported in the literature in individuals affected with TCIRG1-related conditions. ClinVar contains an entry for this variant (Variation ID: 1412869). Advanced modeling of protein sequence and biophysical properties (such as structural, functional, and spatial information, amino acid conservation, physicochemical variation, residue mobility, and thermodynamic stability) performed at Invitae indicates that this missense variant is expected to disrupt TCIRG1 protein function with a positive predictive value of 80%. In summary, the available evidence is currently insufficient to determine the role of this variant in disease. Therefore, it has been classified as a Variant of Uncertain Significance.

NM_006019.4(TCIRG1):c.1636A>G (p.Met546Val)

Gene: TCIRG1 (T cell immune regulator 1, ATPase H+ transporting V0 subunit a3; plus strand). Cytogenetic location: 11q13.2.
Variant type: single nucleotide variant.
Coding change: c.1636A>G on transcript NM_006019.4 (MANE Select); coding-DNA position 1636, A replaced by G.
Protein change: p.Met546Val; replaces methionine 546 with valine.
Molecular consequence: missense variant.
Genome position (GRCh38, 1-based): chr11:68,048,960, A>G. VCF-style: chr11-68048960-A-G. GRCh37 (hg19) VCF-style: chr11-67816427-A-G.
Other names: c.742A>G, p.Met248Val (NM_001351059.2); c.988A>G, p.Met330Val (NM_006053.4); short protein forms M248V, M546V, M330V.
Identifiers: ClinVar variation 1412869 (VCV001412869.5), dbSNP rs368945298, ClinGen allele CA6147211.